The following is an entry in ClinVar:

NM_015466.4(PTPN23):c.4709C>G (p.Ser1570Trp)

Gene: PTPN23 (protein tyrosine phosphatase non-receptor type 23; plus strand). Cytogenetic location: 3p21.31.
Variant type: single nucleotide variant.
Coding change: c.4709C>G on transcript NM_015466.4 (MANE Select); coding-DNA position 4709, C replaced by G.
Protein change: p.Ser1570Trp; replaces serine 1570 with tryptophan.
Molecular consequence: missense variant.
Genome position (GRCh38, 1-based): chr3:47,412,983, C>G. VCF-style: chr3-47412983-C-G. GRCh37 (hg19) VCF-style: chr3-47454473-C-G.
Other names: c.4331C>G, p.Ser1444Trp (NM_001304482.2); short protein forms S1570W, S1444W.
Identifiers: ClinVar variation 4691358 (VCV004691358.1).

ClinVar aggregate classification (germline): Uncertain significance (1 of 4 stars; one submission).

gnomAD v4.1: 7 of 1,610,830 alleles (0.00043%); highest among the groups gnomAD compares: Middle Eastern, 0.016%; no homozygotes.

Submission:

Labcorp Genetics (formerly Invitae), Labcorp
Classification: Uncertain significance. Last evaluated: 2025-02-19. Review status: criteria provided, single submitter. Criteria: Invitae Variant Classification Sherloc (09022015). Collection method: clinical testing. Allele origin: germline.
Comment: This sequence change replaces serine, which is neutral and polar, with tryptophan, which is neutral and slightly polar, at codon 1570 of the PTPN23 protein (p.Ser1570Trp). This variant is not present in population databases (gnomAD no frequency). This variant has not been reported in the literature in individuals affected with PTPN23-related conditions. Experimental studies and prediction algorithms are not available or were not evaluated, and the functional significance of this variant is currently unknown. In summary, the available evidence is currently insufficient to determine the role of this variant in disease. Therefore, it has been classified as a Variant of Uncertain Significance.